The following is an entry in ClinVar:

NM_030665.4(RAI1):c.554A>G (p.Tyr185Cys)

Gene: RAI1 (retinoic acid induced 1; plus strand). Cytogenetic location: 17p11.2.
Variant type: single nucleotide variant.
Coding change: c.554A>G on transcript NM_030665.4 (MANE Select); coding-DNA position 554, A replaced by G.
Protein change: p.Tyr185Cys; replaces tyrosine 185 with cysteine.
Molecular consequence: missense variant.
Genome position (GRCh38, 1-based): chr17:17,793,502, A>G. VCF-style: chr17-17793502-A-G. GRCh37 (hg19) VCF-style: chr17-17696816-A-G.
Other names: short protein forms Y185C.
Identifiers: ClinVar variation 2830595 (VCV002830595.3), dbSNP rs2508569496, ClinGen allele CA398545709.
Genomic context (GRCh38, chr17:17,793,502, plus strand): 5'-CCTTTCGGACTCACTCCCTGCACGTCCAGCAGCCACCGCCGCCCCAGCAGCCCCTGGCAT[A>G]CCCCAAGCTCCAAAGGCAGAAGCTGCAGAACGACATTGCCTCCCCTCTGCCCTTCCCCCA-3'
Protein context (NP_109590.3, residues 175-195): QPPPPQQPLA[Tyr185Cys]PKLQRQKLQN

ClinVar aggregate classification (germline): Uncertain significance (1 of 4 stars; one submission).

Submission:

Labcorp Genetics (formerly Invitae), Labcorp
Classification: Uncertain significance. Last evaluated: 2024-05-15. Review status: criteria provided, single submitter. Criteria: Invitae Variant Classification Sherloc (09022015). Collection method: clinical testing. Allele origin: germline.
Comment: This sequence change replaces tyrosine, which is neutral and polar, with cysteine, which is neutral and slightly polar, at codon 185 of the RAI1 protein (p.Tyr185Cys). This variant is not present in population databases (gnomAD no frequency). This variant has not been reported in the literature in individuals affected with RAI1-related conditions. Advanced modeling of protein sequence and biophysical properties (such as structural, functional, and spatial information, amino acid conservation, physicochemical variation, residue mobility, and thermodynamic stability) performed at Invitae indicates that this missense variant is expected to disrupt RAI1 protein function with a positive predictive value of 80%. In summary, the available evidence is currently insufficient to determine the role of this variant in disease. Therefore, it has been classified as a Variant of Uncertain Significance.